The following is an entry in ClinVar:

NM_007294.4(BRCA1):c.2921T>C (p.Leu974Ser)

Gene: BRCA1 (BRCA1 DNA repair associated; minus strand). Cytogenetic location: 17q21.31.
Variant type: single nucleotide variant.
Coding change: c.2921T>C on transcript NM_007294.4 (MANE Select); coding-DNA position 2921, T replaced by C.
Protein change: p.Leu974Ser; replaces leucine 974 with serine.
Molecular consequence: missense variant. On other transcripts: intron variant (137).
Genome position (GRCh38, 1-based): chr17:43,092,610, A>G on the plus strand (T>C on the coding strand, the complement: BRCA1 is on the minus strand). VCF-style: chr17-43092610-A-G. GRCh37 (hg19) VCF-style: chr17-41244627-A-G.
Other names: c.665-1578T>C (NM_001408425.1, NM_001408440.1, NM_001408428.1 and 12 more transcripts); c.671-1578T>C (NM_001408419.1, NM_001408422.1, NM_001408418.1 and 2 more transcripts); c.788-1578T>C (NM_001408403.1, NM_001407983.1, NM_001407975.1 and 17 more transcripts); c.791-1587T>C (NM_001408406.1); c.647-1578T>C (NM_001408456.1, NM_001408410.1, NM_001408458.1 and 11 more transcripts); c.644-1578T>C (NM_001408465.1, NM_001408463.1, NM_001408462.1 and 3 more transcripts); c.578-1578T>C (NM_001408482.1, NM_001408484.1, NM_001408478.1 and 9 more transcripts); c.521-1578T>C (NM_001408504.1, NM_001408503.1, NM_001408505.1); and 41 more; short protein forms L974S, L927S, L678S, L846S, L863S, L886S, L907S, L947S.
Identifiers: ClinVar variation 54720 (VCV000054720.10), dbSNP rs80356872, ClinGen allele CA001909.

ClinVar aggregate classification (germline): Conflicting classifications of pathogenicity. Review status: criteria provided, conflicting classifications (1 of 4 stars). 4 submissions from 4 submitters: Uncertain significance (1); Likely benign (2). 1 of the submissions does not count toward it. Last evaluated 2025-03-04.

Conditions:
Hereditary cancer-predisposing syndrome. Also called: Tumor predisposition; Neoplastic Syndromes, Hereditary; Hereditary Cancer Syndrome; Hereditary neoplastic syndrome. Identifiers: Orphanet 140162, MedGen C0027672, MeSH D009386, MONDO:0015356.
Hereditary breast ovarian cancer syndrome. Also called: Hereditary breast and ovarian cancer syndrome (HBOC); Hereditary breast and ovarian cancer syndrome; Hereditary breast and ovarian cancer; Hereditary breast and/or ovarian cancer syndrome; Breast and ovarian cancer; BRCA1- and BRCA2-Associated Hereditary Breast and Ovarian Cancer. Identifiers: Orphanet 145, MedGen C0677776, MeSH D061325, MONDO:0003582. Disease mechanism: loss of function.
Breast-ovarian cancer, familial, susceptibility to, 1 (BROVCA1). Also called: OVARIAN CANCER, SUSCEPTIBILITY TO; BRCA1 Hereditary Breast and Ovarian Cancer. Identifiers: Orphanet 145, MedGen C2676676, MONDO:0011450, OMIM 604370. Disease mechanism: loss of function.

Submissions (4):

Labcorp Genetics (formerly Invitae), Labcorp
Classification: Uncertain significance for Hereditary breast ovarian cancer syndrome. Last evaluated: 2025-03-04. Review status: criteria provided, single submitter. Criteria: Invitae Variant Classification Sherloc (09022015). Collection method: clinical testing. Allele origin: germline.
Comment: This sequence change replaces leucine, which is neutral and non-polar, with serine, which is neutral and polar, at codon 974 of the BRCA1 protein (p.Leu974Ser). This variant is not present in population databases (gnomAD no frequency). This variant has not been reported in the literature in individuals affected with BRCA1-related conditions. ClinVar contains an entry for this variant (Variation ID: 54720). Invitae Evidence Modeling of protein sequence and biophysical properties (such as structural, functional, and spatial information, amino acid conservation, physicochemical variation, residue mobility, and thermodynamic stability) indicates that this missense variant is not expected to disrupt BRCA1 protein function with a negative predictive value of 80%. In summary, the available evidence is currently insufficient to determine the role of this variant in disease. Therefore, it has been classified as a Variant of Uncertain Significance.

University of Washington Department of Laboratory Medicine, University of Washington
Classification: Likely benign for Hereditary cancer-predisposing syndrome. Last evaluated: 2023-03-23. Review status: criteria provided, single submitter. Criteria: Dines et al. (Genet Med. 2020). Collection method: curation. Allele origin: germline.
Comment: Missense variant in a coldspot region where missense variants are very unlikely to be pathogenic (PMID:31911673).

BRCA1 coldspot (exon 11 using historical exon numbering). Reclassification based on statistical prior probability

Ambry Genetics
Classification: Likely benign for Hereditary cancer-predisposing syndrome. Last evaluated: 2021-10-07. Review status: criteria provided, single submitter. Criteria: Ambry Variant Classification Scheme 2023. Collection method: clinical testing. Allele origin: germline.

Breast Cancer Information Core (BIC) (BRCA1)
Classification: Uncertain significance for Breast-ovarian cancer, familial 1. Last evaluated: 2004-11-25. Review status: no assertion criteria provided. Collection method: clinical testing. Allele origin: germline. Affected: yes. Observed: 1 variant allele. Not counted in ClinVar's aggregate classification.